The following is an entry in ClinVar:

ClinVar aggregate classification (germline): Likely benign. Review status: criteria provided, multiple submitters, no conflicts (2 of 4 stars). 4 submissions from 4 submitters: Likely benign (4). Last evaluated 2025-09-04.

Conditions:
Multiple endocrine neoplasia, type 2 (MEN2). Identifiers: Orphanet 653, MedGen C4048306, MONDO:0019003. Disease mechanism: gain of function.

Allele frequency attached by ClinVar (database versions not stated): gnomAD exomes below 0.00001 and 0.00001; ExAC 0.00001; TOPMed 0.00001.
gnomAD v4.1: 9 of 1,606,142 alleles (0.00056%); highest among the groups gnomAD compares: Non-Finnish European, 0.00077%; no homozygotes.

Submissions (4):

Labcorp Genetics (formerly Invitae), Labcorp
Classification: Likely benign for Multiple endocrine neoplasia, type 2. Last evaluated: 2025-09-04. Review status: criteria provided, single submitter. Criteria: Invitae Variant Classification Sherloc (09022015). Collection method: clinical testing. Allele origin: germline.

All of Us Research Program, National Institutes of Health
Classification: Likely benign for Multiple endocrine neoplasia, type 2. Last evaluated: 2023-08-15. Review status: criteria provided, single submitter. Criteria: ACMG Guidelines, 2015. Collection method: clinical testing. Allele origin: germline. Inheritance: Autosomal dominant inheritance. Observed: 4 variant alleles, 4 heterozygotes.
Comment: This study involves interpretation of variants in research participants for the purpose of population health screening. Participant phenotype was not available at the time of variant classification. Additional details can be found in publication PMID: 35346344, PMCID: PMC8962531

Color Diagnostics, LLC DBA Color Health
Classification: Likely benign for Multiple endocrine neoplasia, type 2. Last evaluated: 2023-05-10. Review status: criteria provided, single submitter. Criteria: ACMG Guidelines, 2015. Collection method: clinical testing. Allele origin: germline.

GeneDx
Classification: Likely benign. Last evaluated: 2018-05-03. Review status: criteria provided, single submitter. Criteria: GeneDx Variant Classification (06012015). Collection method: clinical testing. Allele origin: germline. Affected: yes.
Comment: This variant is considered likely benign or benign based on one or more of the following criteria: it is a conservative change, it occurs at a poorly conserved position in the protein, it is predicted to be benign by multiple in silico algorithms, and/or has population frequency not consistent with disease.

NM_020975.6(RET):c.1649-11G>T

Gene: RET (ret proto-oncogene; plus strand). Cytogenetic location: 10q11.21.
Variant type: single nucleotide variant.
Coding change: c.1649-11G>T on transcript NM_020975.6 (MANE Select); 11 bases into the intron before coding-DNA position 1649, G replaced by T.
Molecular consequence: intron variant.
Genome position (GRCh38, 1-based): chr10:43,112,842, G>T. VCF-style: chr10-43112842-G-T. GRCh37 (hg19) VCF-style: chr10-43608290-G-T.
Other names: c.1649-11G>T (NM_020630.7, NM_001406743.1, NM_001406744.1 and 4 more transcripts); c.1253-11G>T (NM_001406772.1, NM_001406769.1); c.1211-11G>T (NM_001406773.1, NM_001406771.1); c.752-11G>T (NM_001406782.1, NM_001406780.1, NM_001406779.1 and 3 more transcripts); c.1520-11G>T (NM_001406764.1, NM_001406762.1, NM_001406761.1 and 1 more transcripts); c.1124-11G>T (NM_001406774.1); c.623-11G>T (NM_001406786.1, NM_001406783.1); c.1361-11G>T (NM_001406770.1, NM_001406766.1, NM_001406767.1); and 5 more.
Identifiers: ClinVar variation 669432 (VCV000669432.11), dbSNP rs746325077, ClinGen allele CA034797.
Genomic context (GRCh38, chr10:43,112,842, plus strand): 5'-TGCCTAGGAGGTGGTGGGGGCGTGTGGCGGGGCTCCCACATGGGTGACAGCCTGCTGTGT[G>T]TCCTGTGCAGGGATCACCAGGAACTTCTCCACCTGCTCTCCCAGCACCAAGACCTGCCCC-3'